The following is an entry in ClinVar:

NM_001378454.1(ALMS1):c.2483del (p.Ser828fs)

Gene: ALMS1 (ALMS1 centrosome and basal body associated protein; plus strand). Cytogenetic location: 2p13.1.
Variant type: Deletion.
Coding change: c.2483del on transcript NM_001378454.1 (MANE Select); coding-DNA position 2483, one base deleted (G; older notation c.2483delG).
Protein change: p.Ser828fs; shifts the reading frame from serine 828.
Molecular consequence: frameshift variant.
Genome position (GRCh38, 1-based): chr2:73,449,010, G deleted. VCF-style (leftmost placement, unchanged base first): chr2-73449009-AG-A. GRCh37 (hg19) VCF-style: chr2-73676136-AG-A.
Other names: c.2486del, p.Ser829fs (NM_015120.4); short protein forms S829fs, S828fs.
Identifiers: ClinVar variation 2771429 (VCV002771429.3), dbSNP rs1671869827, ClinGen allele CA1260958436.

ClinVar aggregate classification (germline): Pathogenic (1 of 4 stars; one submission).

Conditions:
Alstrom syndrome (ALMS). Identifiers: Orphanet 64, MedGen C0268425, MONDO:0008763, OMIM 203800.

Allele frequency attached by ClinVar (database versions not stated): TOPMed below 0.00001.

Submission:

Labcorp Genetics (formerly Invitae), Labcorp
Classification: Pathogenic for Alstrom syndrome. Last evaluated: 2023-10-23. Review status: criteria provided, single submitter. Criteria: Invitae Variant Classification Sherloc (09022015). Collection method: clinical testing. Allele origin: germline.
Comment: This sequence change creates a premature translational stop signal (p.Ser829Thrfs*8) in the ALMS1 gene. It is expected to result in an absent or disrupted protein product. Loss-of-function variants in ALMS1 are known to be pathogenic (PMID: 17594715). This variant is not present in population databases (gnomAD no frequency). This variant has not been reported in the literature in individuals affected with ALMS1-related conditions. For these reasons, this variant has been classified as Pathogenic.

Literature cited by the submitters: PubMed 17594715.